The following is an entry in ClinVar:

NM_003270.4(TSPAN6):c.259G>A (p.Ala87Thr)

Gene: TSPAN6 (tetraspanin 6; minus strand). Cytogenetic location: Xq22.1.
Variant type: single nucleotide variant.
Coding change: c.259G>A on transcript NM_003270.4 (MANE Select); coding-DNA position 259, G replaced by A.
Protein change: p.Ala87Thr; replaces alanine 87 with threonine.
Molecular consequence: missense variant. On other transcripts: 5 prime UTR variant (4).
Genome position (GRCh38, 1-based): chrX:100,635,575, C>T on the plus strand (G>A on the coding strand, the complement: TSPAN6 is on the minus strand). VCF-style: chrX-100635575-C-T. GRCh37 (hg19) VCF-style: chrX-99890572-C-T.
Other names: c.-6G>A (NM_001278740.2, NM_001278741.1, NM_001278742.1 and 1 more transcripts); short protein forms A87T.
Identifiers: ClinVar variation 2661035 (VCV002661035.24), dbSNP rs145821935, ClinGen allele CA10469330.

ClinVar aggregate classification (germline): Likely benign (1 of 4 stars; one submission).

Allele frequency attached by ClinVar (database versions not stated): 1000 Genomes Project 30x 0.00021; 1000 Genomes Project 0.00026; ESP Exome Variant Server 0.00047; gnomAD exomes 0.00051; TOPMed 0.00054; gnomAD 0.00057; ExAC 0.00074.
gnomAD v4.1: 609 of 1,191,957 alleles (0.051%); highest among the groups gnomAD compares: Non-Finnish European, 0.053%; no homozygotes.

Submission:

CeGaT Center for Human Genetics Tuebingen
Classification: Likely benign. Last evaluated: 2022-12-01. Review status: criteria provided, single submitter. Criteria: CeGaT Center For Human Genetics Tuebingen Variant Classification Criteria Version 2. Collection method: clinical testing. Allele origin: germline. Affected: yes. Observed: 1 variant allele.
Comment: TSPAN6: BP4, BS2